The following is an entry in ClinVar:

ClinVar aggregate classification (germline): Uncertain significance (1 of 4 stars; one submission).

Conditions:
Joubert syndrome 23 (JBTS23). Identifiers: Orphanet 475, MedGen C4084822, MONDO:0014664, OMIM 616490.
Short-rib thoracic dysplasia 14 with polydactyly (SRTD14). Identifiers: Orphanet 397715, MedGen C4225286, MONDO:0014688, OMIM 616546.

Allele frequency attached by ClinVar (database versions not stated): gnomAD exomes below 0.00001; TOPMed below 0.00001.
gnomAD v4.1: 4 of 1,612,608 alleles (0.00025%); highest among the groups gnomAD compares: East Asian, 0.0022%; no homozygotes.

Submission:

Labcorp Genetics (formerly Invitae), Labcorp
Classification: Uncertain significance for Joubert syndrome 23; Short-rib thoracic dysplasia 14 with polydactyly. Last evaluated: 2022-08-05. Review status: criteria provided, single submitter. Criteria: Invitae Variant Classification Sherloc (09022015). Collection method: clinical testing. Allele origin: germline.
Comment: This sequence change replaces histidine, which is basic and polar, with arginine, which is basic and polar, at codon 1411 of the KIAA0586 protein (p.His1411Arg). This variant is present in population databases (no rsID available, gnomAD 0.003%). This variant has not been reported in the literature in individuals affected with KIAA0586-related conditions. ClinVar contains an entry for this variant (Variation ID: 1437985). Algorithms developed to predict the effect of missense changes on protein structure and function output the following: SIFT: "Tolerated"; PolyPhen-2: "Benign"; Align-GVGD: "Class C0". The arginine amino acid residue is found in multiple mammalian species, which suggests that this missense change does not adversely affect protein function. In summary, the available evidence is currently insufficient to determine the role of this variant in disease. Therefore, it has been classified as a Variant of Uncertain Significance.

NM_001329943.3(KIAA0586):c.4073A>G (p.His1358Arg)

Gene: KIAA0586 (KIAA0586; plus strand). Cytogenetic location: 14q23.1.
Variant type: single nucleotide variant.
Coding change: c.4073A>G on transcript NM_001329943.3 (MANE Select); coding-DNA position 4073, A replaced by G.
Protein change: p.His1358Arg; replaces histidine 1358 with arginine.
Molecular consequence: missense variant.
Genome position (GRCh38, 1-based): chr14:58,498,865, A>G. VCF-style: chr14-58498865-A-G. GRCh37 (hg19) VCF-style: chr14-58965583-A-G.
Other names: c.4232A>G, p.His1411Arg (NM_001244189.2); c.4028A>G, p.His1343Arg (NM_001244190.2); c.3818A>G, p.His1273Arg (NM_001244191.2, NM_001329945.2, NM_001364700.1 and 1 more transcripts); c.3941A>G, p.His1314Arg (NM_001244192.2, NM_001329947.2); c.3653A>G, p.His1218Arg (NM_001244193.2); c.4073A>G, p.His1358Arg (NM_001329944.2, NM_001329946.2); c.3845A>G, p.His1282Arg (NM_014749.5); short protein forms H1273R, H1218R, H1314R, H1282R, H1411R, H1343R, H1358R.
Identifiers: ClinVar variation 1437985 (VCV001437985.5), dbSNP rs1260148388, ClinGen allele CA389885609.